The following is an entry in ClinVar:

ClinVar aggregate classification (germline): Likely pathogenic. Review status: criteria provided, single submitter (1 of 4 stars). 2 submissions from 2 submitters: Likely pathogenic (1). 1 of the submissions does not count toward it. Last evaluated 2022-10-13.

Conditions:
Familial long QT syndrome (RWS). Also called: Congenital long QT syndrome; Romano-Ward syndrome; VENTRICULAR FIBRILLATION WITH PROLONGED QT INTERVAL. Identifiers: Orphanet 768, MedGen C1141890, MONDO:0019171.
Long QT syndrome (LQTS). Identifiers: MedGen C0023976, MeSH D008133, MONDO:0002442. Disease mechanism: loss of function. Inheritance: Various modes of inheritance.

Submissions (2):

Labcorp Genetics (formerly Invitae), Labcorp
Classification: Likely pathogenic for Long QT syndrome. Last evaluated: 2022-10-13. Review status: criteria provided, single submitter. Criteria: Invitae Variant Classification Sherloc (09022015). Collection method: clinical testing. Allele origin: germline.
Comment: In summary, the currently available evidence indicates that the variant is pathogenic, but additional data are needed to prove that conclusively. Therefore, this variant has been classified as Likely Pathogenic. Advanced modeling of protein sequence and biophysical properties (such as structural, functional, and spatial information, amino acid conservation, physicochemical variation, residue mobility, and thermodynamic stability) performed at Invitae indicates that this missense variant is expected to disrupt KCNQ1 protein function. ClinVar contains an entry for this variant (Variation ID: 67122). This missense change has been observed in individual(s) with clinical features of autosomal dominant long QT Syndrome (PMID: 19716085, 26675252; Invitae). It has also been observed to segregate with disease in related individuals. This variant is not present in population databases (gnomAD no frequency). This sequence change replaces leucine, which is neutral and non-polar, with proline, which is neutral and non-polar, at codon 303 of the KCNQ1 protein (p.Leu303Pro).

Cardiovascular Biomedical Research Unit, Royal Brompton & Harefield NHS Foundation Trust
No classification provided. Condition: Familial long QT syndrome. Review status: no classification provided. Collection method: literature only. Allele origin: germline. Not counted in ClinVar's aggregate classification.
Comment: This variant has been reported as associated with Long QT syndrome in the following publications (PMID:19716085). This is a literature report, and does not necessarily reflect the clinical interpretation of the Imperial College / Royal Brompton Cardiovascular Genetics laboratory.

Literature cited by the submitters: PubMed 19716085 (cited by Labcorp Genetics (formerly Invitae), Labcorp and Cardiovascular Biomedical Research Unit, Royal Brompton & Harefield NHS Foundation Trust); PubMed 26675252 (cited by Labcorp Genetics (formerly Invitae), Labcorp); PubMed 22581653 (cited by Cardiovascular Biomedical Research Unit, Royal Brompton & Harefield NHS Foundation Trust).

NM_000218.3(KCNQ1):c.908T>C (p.Leu303Pro)

Gene: KCNQ1 (potassium voltage-gated channel subfamily Q member 1; plus strand). Cytogenetic location: 11p15.5.
Variant type: single nucleotide variant.
Coding change: c.908T>C on transcript NM_000218.3 (MANE Select); coding-DNA position 908, T replaced by C.
Protein change: p.Leu303Pro; replaces leucine 303 with proline.
Molecular consequence: missense variant.
Genome position (GRCh38, 1-based): chr11:2,572,973, T>C. VCF-style: chr11-2572973-T-C. GRCh37 (hg19) VCF-style: chr11-2594203-T-C.
Other names: c.908T>C (LRG_287t1); c.908T>C, p.Leu303Pro (NM_001406836.1); c.638T>C, p.Leu213Pro (NM_001406837.1); c.527T>C, p.Leu176Pro (NM_181798.2); short protein forms L303P, L176P, L213P.
Identifiers: ClinVar variation 67122 (VCV000067122.8), dbSNP rs199472740, ClinGen allele CA008593.